The following is an entry in ClinVar:

NM_015272.5(RPGRIP1L):c.3768C>T (p.Gly1256=)

Gene: RPGRIP1L (RPGRIP1 like; minus strand). Cytogenetic location: 16q12.2.
Variant type: single nucleotide variant.
Coding change: c.3768C>T on transcript NM_015272.5 (MANE Select); coding-DNA position 3768, C replaced by T.
Protein change: p.Gly1256=; no amino-acid change (glycine 1256 retained).
Molecular consequence: synonymous variant.
Genome position (GRCh38, 1-based): chr16:53,605,548, G>A on the plus strand (C>T on the coding strand, the complement: RPGRIP1L is on the minus strand). VCF-style: chr16-53605548-G-A. GRCh37 (hg19) VCF-style: chr16-53639460-G-A.
Other names: c.3528C>T, p.Gly1176= (NM_001127897.4); c.3630C>T, p.Gly1210= (NM_001308334.3); c.3666C>T, p.Gly1222= (NM_001330538.2); c.3768C>T (NM_015272.4).
Identifiers: ClinVar variation 1051727 (VCV001051727.12), dbSNP rs780364836, ClinGen allele CA8057185.

ClinVar aggregate classification (germline): Likely benign. Review status: criteria provided, single submitter (1 of 4 stars). 3 submissions from 3 submitters: Likely benign (1). 2 of the submissions do not count toward it. Last evaluated 2024-06-20.

Conditions:
RPGRIP1L-related disorder. Also called: RPGRIP1L-related disorders; RPGRIP1L-related condition. Identifiers: MedGen CN239416.
Joubert syndrome. Also called: JOUBERT-BOLTSHAUSER SYNDROME; Familial aplasia of the vermis. Identifiers: Orphanet 475, MedGen C5979921, MONDO:0018772.
Meckel-Gruber syndrome. Also called: DYSENCEPHALIA SPLANCHNOCYSTICA; GRUBER SYNDROME; Dysencephalia splachnocystica. Identifiers: Orphanet 564, MedGen C0265215, MONDO:0018921.

Allele frequency attached by ClinVar (database versions not stated): gnomAD exomes 0.00001; gnomAD 0.00001; ExAC 0.00002; TOPMed 0.00001.
gnomAD v4.1: 9 of 1,613,854 alleles (0.00056%); highest among the groups gnomAD compares: Admixed American, 0.0067%; no homozygotes.

Submissions (3):

Labcorp Genetics (formerly Invitae), Labcorp
Classification: Likely benign for Joubert syndrome; Meckel-Gruber syndrome. Last evaluated: 2024-06-20. Review status: criteria provided, single submitter. Criteria: Invitae Variant Classification Sherloc (09022015). Collection method: clinical testing. Allele origin: germline.

PreventionGenetics, part of Exact Sciences
Classification: Likely benign for RPGRIP1L-related condition. Last evaluated: 2024-01-31. Review status: no assertion criteria provided. Collection method: clinical testing. Allele origin: germline. Not counted in ClinVar's aggregate classification.
Comment: This variant is classified as likely benign based on ACMG/AMP sequence variant interpretation guidelines (Richards et al. 2015 PMID: 25741868, with internal and published modifications).

Natera, Inc.
Classification: Uncertain significance for Joubert syndrome. Last evaluated: 2021-02-25. Review status: no assertion criteria provided. Collection method: clinical testing. Allele origin: germline. Not counted in ClinVar's aggregate classification.